The following is an entry in ClinVar:

NM_018706.7(DHTKD1):c.212C>T (p.Ala71Val)

Gene: DHTKD1 (dehydrogenase E1 and transketolase domain containing 1; plus strand). Cytogenetic location: 10p14.
Variant type: single nucleotide variant.
Coding change: c.212C>T on transcript NM_018706.7 (MANE Select); coding-DNA position 212, C replaced by T.
Protein change: p.Ala71Val; replaces alanine 71 with valine.
Molecular consequence: missense variant.
Genome position (GRCh38, 1-based): chr10:12,081,529, C>T. VCF-style: chr10-12081529-C-T. GRCh37 (hg19) VCF-style: chr10-12123528-C-T.
Other names: short protein forms A71V.
Identifiers: ClinVar variation 2954700 (VCV002954700.3), dbSNP rs1832818600, ClinGen allele CA376014517.

ClinVar aggregate classification (germline): Uncertain significance (1 of 4 stars; one submission).

Conditions:
2-aminoadipic 2-oxoadipic aciduria (AAKAD). Also called: Aminoadipic aciduria; ALPHA-AMINOADIPIC AND ALPHA-KETOADIPIC ACIDURIA. Identifiers: Orphanet 79154, MedGen C1859817, MONDO:0008774, OMIM 204750.

Allele frequency attached by ClinVar (database versions not stated): gnomAD exomes below 0.00001.
gnomAD v4.1: 3 of 1,614,066 alleles (0.00019%); highest among the groups gnomAD compares: Non-Finnish European, 0.00017%; no homozygotes.

Submission:

Labcorp Genetics (formerly Invitae), Labcorp
Classification: Uncertain significance for 2-aminoadipic 2-oxoadipic aciduria. Last evaluated: 2023-09-29. Review status: criteria provided, single submitter. Criteria: Invitae Variant Classification Sherloc (09022015). Collection method: clinical testing. Allele origin: germline.
Comment: In summary, the available evidence is currently insufficient to determine the role of this variant in disease. Therefore, it has been classified as a Variant of Uncertain Significance. Advanced modeling of protein sequence and biophysical properties (such as structural, functional, and spatial information, amino acid conservation, physicochemical variation, residue mobility, and thermodynamic stability) has been performed at Invitae for this missense variant, however the output from this modeling did not meet the statistical confidence thresholds required to predict the impact of this variant on DHTKD1 protein function. This variant has not been reported in the literature in individuals affected with DHTKD1-related conditions. This variant is not present in population databases (gnomAD no frequency). This sequence change replaces alanine, which is neutral and non-polar, with valine, which is neutral and non-polar, at codon 71 of the DHTKD1 protein (p.Ala71Val).